The following is an entry in ClinVar:

ClinVar aggregate classification (germline): Uncertain significance. Review status: criteria provided, multiple submitters, no conflicts (2 of 4 stars). 3 submissions from 3 submitters: Uncertain significance (2). 1 of the submissions does not count toward it. Last evaluated 2021-08-27.

Conditions:
DLL3-related disorder. Also called: DLL3-related condition.
Spondylocostal dysostosis 1, autosomal recessive (SCDO1). Also called: DLL3-Related Spondylocostal Dysostosis, Autosomal Recessive. Identifiers: Orphanet 2311, MedGen CN032975, MONDO:0020692, OMIM 277300.

Allele frequency attached by ClinVar (database versions not stated): gnomAD 0.00001; gnomAD exomes 0.00001 and 0.00003; TOPMed 0.00002.
gnomAD v4.1: 8 of 1,612,644 alleles (0.0005%); highest among the groups gnomAD compares: Admixed American, 0.013%; no homozygotes.

Submissions (3):

Labcorp Genetics (formerly Invitae), Labcorp
Classification: Uncertain significance. Last evaluated: 2021-08-27. Review status: criteria provided, single submitter. Criteria: Invitae Variant Classification Sherloc (09022015). Collection method: clinical testing. Allele origin: germline.

ARUP Laboratories, Molecular Genetics and Genomics, ARUP Laboratories
Classification: Uncertain significance for Spondylocostal dysostosis 1, autosomal recessive. Last evaluated: 2020-04-02. Review status: criteria provided, single submitter. Criteria: ARUP Molecular Germline Variant Investigation Process. Collection method: clinical testing. Allele origin: germline.
Comment: The DLL3 c.409+6T>C variant (rs995675341), to our knowledge, is not reported in the medical literature or gene-specific databases. This variant is found on only seven chromosomes (7/251488 alleles) in the Genome Aggregation Database. This is an intronic variant in a moderately conserved nucleotide, and computational analyses (Alamut v.2.11) predict that this variant may impact splicing by weakening the nearby canonical donor splice site, although RNA studies would be required to confirm this. Given the lack of clinical and functional data, the significance of the c.409+6T>C variant is uncertain at this time.

PreventionGenetics, part of Exact Sciences
Classification: Likely benign for DLL3-related condition. Last evaluated: 2020-01-02. Review status: no assertion criteria provided. Collection method: clinical testing. Allele origin: germline. Not counted in ClinVar's aggregate classification.
Comment: This variant is classified as likely benign based on ACMG/AMP sequence variant interpretation guidelines (Richards et al. 2015 PMID: 25741868, with internal and published modifications).

NM_203486.3(DLL3):c.409+6T>C

Gene: DLL3 (delta like canonical Notch ligand 3; plus strand). Cytogenetic location: 19q13.2.
Variant type: single nucleotide variant.
Coding change: c.409+6T>C on transcript NM_203486.3 (MANE Select); 6 bases into the intron after coding-DNA position 409, T replaced by C.
Molecular consequence: intron variant.
Genome position (GRCh38, 1-based): chr19:39,500,678, T>C. VCF-style: chr19-39500678-T-C. GRCh37 (hg19) VCF-style: chr19-39991318-T-C.
Other names: c.409+6T>C (NM_016941.3, NM_016941.4).
Identifiers: ClinVar variation 994083 (VCV000994083.14), dbSNP rs995675341, ClinGen allele CA308250272.